The following is an entry in ClinVar:

NM_001374736.1(DST):c.14441-7C>T

Gene: DST (dystonin; minus strand). Cytogenetic location: 6p12.1.
Variant type: single nucleotide variant.
Coding change: c.14441-7C>T on transcript NM_001374736.1 (MANE Select); 7 bases into the intron before coding-DNA position 14441, C replaced by T.
Molecular consequence: intron variant.
Genome position (GRCh38, 1-based): chr6:56,557,525, G>A on the plus strand (C>T on the coding strand, the complement: DST is on the minus strand). VCF-style: chr6-56557525-G-A. GRCh37 (hg19) VCF-style: chr6-56422323-G-A.
Other names: c.8084-7C>T (NM_001144769.5, NM_001144769.2); c.14441-7C>T (NM_001374722.1); c.14468-7C>T (NM_001374734.1); c.7670-7C>T (NM_001144770.2); c.7550-7C>T (NM_001374730.1, NM_001386100.1, NM_183380.4); c.13808-7C>T (NM_001374729.1); c.6572-7C>T (NM_015548.5).
Identifiers: ClinVar variation 1151999 (VCV001151999.43), dbSNP rs41271866, ClinGen allele CA3868006.
Genomic context (GRCh38, chr6:56,557,525, plus strand): 5'-CCAGTTTTTGTTGTCTATCAATTGTTAATTGATTGAGTTCTTGCCACTTAGAATCTAAAA[G>A]AAAAAAAATGAAACTGGTGTTTGACATTTTTTGCATTTAACATGACTATGTCTATGAGGA-3'

ClinVar aggregate classification (germline): Likely benign. Review status: criteria provided, multiple submitters, no conflicts (2 of 4 stars). 3 submissions from 3 submitters: Likely benign (3). Last evaluated 2026-08-03.

Conditions:
DST-related disorder. Also called: DST-related condition; DST-related disorders.
Hereditary sensory and autonomic neuropathy type 6. Also called: HSAN VI; Neuropathy, hereditary sensory and autonomic, type VI. Identifiers: Orphanet 314381, MedGen C3539003, MONDO:0013839, OMIM 614653.
Epidermolysis bullosa simplex 3, localized or generalized intermediate, with BP230 deficiency (EBS3). Also called: Epidermolysis bullosa simplex due to BP230 deficiency; Epidermolysis bullosa simplex, autosomal recessive 2. Identifiers: Orphanet 412181, MedGen C3809470, MONDO:0014180, OMIM 615425.

Allele frequency attached by ClinVar (database versions not stated): gnomAD exomes 0.00011 and 0.00022; ExAC 0.00066.
gnomAD v4.1: 151 of 1,499,816 alleles (0.01%); highest among the groups gnomAD compares: Admixed American, 0.013%; no homozygotes.

Submissions (3):

PreventionGenetics, part of Exact Sciences
Classification: Likely benign for DST-related condition. Last evaluated: 2026-08-03. Review status: criteria provided, single submitter. Criteria: ACMG Guidelines, 2015. Collection method: clinical testing. Allele origin: germline.
Comment: This variant is classified as likely benign based on ACMG/AMP sequence variant interpretation guidelines (Richards et al. 2015 PMID: 25741868, with internal and published modifications).

Labcorp Genetics (formerly Invitae), Labcorp
Classification: Likely benign for Epidermolysis bullosa simplex 3, localized or generalized intermediate, with BP230 deficiency; Hereditary sensory and autonomic neuropathy type 6. Last evaluated: 2026-01-24. Review status: criteria provided, single submitter. Criteria: Invitae Variant Classification Sherloc (09022015). Collection method: clinical testing. Allele origin: germline.

CeGaT Center for Human Genetics Tuebingen
Classification: Likely benign. Last evaluated: 2021-12-01. Review status: criteria provided, single submitter. Criteria: CeGaT Center For Human Genetics Tuebingen Variant Classification Criteria Version 2. Collection method: clinical testing. Allele origin: germline. Affected: yes. Observed: 1 variant allele.